The following is an entry in ClinVar:

ClinVar aggregate classification (germline): Conflicting classifications of pathogenicity. Review status: criteria provided, conflicting classifications (1 of 4 stars). 3 submissions from 3 submitters: Uncertain significance (2); Likely benign (1). Last evaluated 2026-09-11.

Conditions:
Hereditary cancer-predisposing syndrome. Also called: Neoplastic Syndromes, Hereditary; Hereditary neoplastic syndrome; Hereditary Cancer Syndrome; Tumor predisposition. Identifiers: Orphanet 140162, MedGen C0027672, MeSH D009386, MONDO:0015356.
Peutz-Jeghers syndrome (PJS). Also called: POLYPOSIS, HAMARTOMATOUS INTESTINAL; POLYPS-AND-SPOTS SYNDROME; Peutz-Jeghers polyposis; Periorificial lentiginosis syndrome. Identifiers: Orphanet 2869, MedGen C0031269, MeSH D010580, MONDO:0008280, OMIM 175200.
Melanoma, cutaneous malignant, susceptibility to, 1 (CMM1). Also called: MELANOMA, MALIGNANT; DYSPLASTIC NEVUS SYNDROME, HEREDITARY; FAMILIAL ATYPICAL MOLE-MALIGNANT MELANOMA SYNDROME; B-K MOLE SYNDROME. Identifiers: Orphanet 618, MedGen C1835047, MONDO:0007963, OMIM 155600.

gnomAD v4.1: 3 of 1,578,618 alleles (0.00019%); highest among the groups gnomAD compares: South Asian, 0.0012%; no homozygotes.

Submissions (3):

Ambry Genetics
Classification: Likely benign for Hereditary cancer-predisposing syndrome. Last evaluated: 2026-09-11. Review status: criteria provided, single submitter. Criteria: Ambry Variant Classification Scheme 2023. Collection method: clinical testing. Allele origin: germline.

Labcorp Genetics (formerly Invitae), Labcorp
Classification: Uncertain significance for Peutz-Jeghers syndrome. Last evaluated: 2025-09-22. Review status: criteria provided, single submitter. Criteria: Invitae Variant Classification Sherloc (09022015). Collection method: clinical testing. Allele origin: germline.
Comment: This sequence change replaces proline, which is neutral and non-polar, with serine, which is neutral and polar, at codon 413 of the STK11 protein (p.Pro413Ser). This variant is not present in population databases (gnomAD no frequency). This variant has not been reported in the literature in individuals affected with STK11-related conditions. ClinVar contains an entry for this variant (Variation ID: 458026). Invitae Evidence Modeling of protein sequence and biophysical properties (such as structural, functional, and spatial information, amino acid conservation, physicochemical variation, residue mobility, and thermodynamic stability) indicates that this missense variant is not expected to disrupt STK11 protein function with a negative predictive value of 95%. In summary, the available evidence is currently insufficient to determine the role of this variant in disease. Therefore, it has been classified as a Variant of Uncertain Significance.

Baylor Genetics
Classification: Uncertain significance for Melanoma, cutaneous malignant, susceptibility to, 1. Last evaluated: 2024-03-20. Review status: criteria provided, single submitter. Criteria: ACMG Guidelines, 2015. Collection method: clinical testing. Allele origin: unknown.

NM_000455.5(STK11):c.1237C>T (p.Pro413Ser)

Gene: STK11 (serine/threonine kinase 11; plus strand). Cytogenetic location: 19p13.3.
Variant type: single nucleotide variant.
Coding change: c.1237C>T on transcript NM_000455.5 (MANE Select); coding-DNA position 1237, C replaced by T.
Protein change: p.Pro413Ser; replaces proline 413 with serine.
Molecular consequence: missense variant.
Genome position (GRCh38, 1-based): chr19:1,226,582, C>T. VCF-style: chr19-1226582-C-T. GRCh37 (hg19) VCF-style: chr19-1226581-C-T.
Other names: short protein forms P413S.
Identifiers: ClinVar variation 458026 (VCV000458026.16), dbSNP rs1386678110, ClinGen allele CA402953920.